The following is an entry in ClinVar:

NM_018961.4(UBASH3A):c.285C>T (p.Ser95=)

Gene: UBASH3A (ubiquitin associated and SH3 domain containing A; plus strand). Cytogenetic location: 21q22.3.
Variant type: single nucleotide variant.
Coding change: c.285C>T on transcript NM_018961.4 (MANE Select); coding-DNA position 285, C replaced by T.
Protein change: p.Ser95=; no amino-acid change (serine 95 retained).
Molecular consequence: synonymous variant.
Genome position (GRCh38, 1-based): chr21:42,409,539, C>T. VCF-style: chr21-42409539-C-T. GRCh37 (hg19) VCF-style: chr21-43829648-C-T.
Other names: c.285C>T, p.Ser95= (NM_001001895.3, NM_001243467.2).
Identifiers: ClinVar variation 3030883 (VCV003030883.2), dbSNP rs139067853, ClinGen allele CA10043025.

ClinVar aggregate classification (germline): Likely benign (0 of 4 stars; one submission).

Conditions:
UBASH3A-related disorder. Also called: UBASH3A-related condition.

Allele frequency attached by ClinVar (database versions not stated): ExAC 0.00001; gnomAD exomes 0.00001; ESP Exome Variant Server 0.00008; TOPMed 0.00008; gnomAD 0.00011.
gnomAD v4.1: 30 of 1,614,022 alleles (0.0019%); highest among the groups gnomAD compares: African/African-American, 0.028%; no homozygotes.

Submission:

PreventionGenetics, part of Exact Sciences
Classification: Likely benign for UBASH3A-related condition. Last evaluated: 2023-07-04. Review status: no assertion criteria provided. Collection method: clinical testing. Allele origin: germline.
Comment: This variant is classified as likely benign based on ACMG/AMP sequence variant interpretation guidelines (Richards et al. 2015 PMID: 25741868, with internal and published modifications).